The following is an entry in ClinVar:

NM_020207.7(ERCC6L2):c.1358A>G (p.Gln453Arg)

Gene: ERCC6L2 (ERCC excision repair 6 like 2; plus strand). Cytogenetic location: 9q22.32.
Variant type: single nucleotide variant.
Coding change: c.1358A>G on transcript NM_020207.7 (MANE Select); coding-DNA position 1358, A replaced by G.
Protein change: p.Gln453Arg; replaces glutamine 453 with arginine.
Molecular consequence: missense variant. On other transcripts: non-coding transcript variant (1).
Genome position (GRCh38, 1-based): chr9:95,922,363, A>G. VCF-style: chr9-95922363-A-G. GRCh37 (hg19) VCF-style: chr9-98684645-A-G.
Other names: c.1358A>G, p.Gln453Arg (NM_001010895.4, NM_001375291.1, NM_001375292.1 and 2 more transcripts); short protein forms Q453R.
Identifiers: ClinVar variation 3774741 (VCV003774741.1).

ClinVar aggregate classification (germline): Uncertain significance (1 of 4 stars; one submission).

Submission:

GeneDx
Classification: Uncertain significance. Last evaluated: 2024-09-30. Review status: criteria provided, single submitter. Criteria: GeneDx Variant Classification Process June 2021. Collection method: clinical testing. Allele origin: germline. Affected: yes.
Comment: Not observed at significant frequency in large population cohorts (gnomAD); In silico analysis supports that this missense variant has a deleterious effect on protein structure/function; Has not been previously published as pathogenic or benign to our knowledge